The following is an entry in ClinVar:

ClinVar aggregate classification (germline): Uncertain significance (1 of 4 stars; one submission).

Conditions:
Brugada syndrome 5 (BRGDA5). Identifiers: Orphanet 130, Orphanet 871, MedGen C2748541, MONDO:0013015, OMIM 612838.

gnomAD v4.1: 1 of 1,614,020 alleles (0.000062%); highest among the groups gnomAD compares: African/African-American, 0.0013%; no homozygotes.

Submission:

Labcorp Genetics (formerly Invitae), Labcorp
Classification: Uncertain significance for Brugada syndrome 5. Last evaluated: 2025-06-11. Review status: criteria provided, single submitter. Criteria: Invitae Variant Classification Sherloc (09022015). Collection method: clinical testing. Allele origin: germline.
Comment: The SCN1B gene has multiple clinically relevant transcripts. This variant occurs in alternate transcript NM_001037.5, and corresponds to NM_199037.3:c.*5011C>T in the primary transcript. This sequence change falls in intron 3 of the SCN1B gene. It does not directly change the encoded amino acid sequence of the SCN1B protein. This variant is present in population databases (rs748544656, gnomAD 0.007%). This variant has not been reported in the literature in individuals affected with SCN1B-related conditions. In summary, the available evidence is currently insufficient to determine the role of this variant in disease. Therefore, it has been classified as a Variant of Uncertain Significance.

NM_001037.5(SCN1B):c.449-8C>T

Gene: SCN1B (sodium voltage-gated channel beta subunit 1; plus strand). Cytogenetic location: 19q13.11.
Variant type: single nucleotide variant.
Coding change: c.449-8C>T on transcript NM_001037.5 (MANE Select); 8 bases into the intron before coding-DNA position 449, C replaced by T.
Molecular consequence: intron variant.
Genome position (GRCh38, 1-based): chr19:35,039,109, C>T. VCF-style: chr19-35039109-C-T. GRCh37 (hg19) VCF-style: chr19-35530013-C-T.
Other names: c.350-8C>T (NM_001321605.2).
Identifiers: ClinVar variation 4707740 (VCV004707740.1).